The following is an entry in ClinVar:

ClinVar aggregate classification (germline): Benign. Review status: criteria provided, multiple submitters, no conflicts (2 of 4 stars). 3 submissions from 3 submitters: Benign (2). 1 of the submissions does not count toward it. Last evaluated 2026-01-28.

Allele frequency attached by ClinVar (database versions not stated): gnomAD exomes 0.00308 and 0.00789; ExAC 0.01039; gnomAD 0.03302 and 0.03568; 1000 Genomes Project 0.03395; 1000 Genomes Project 30x 0.03701; ESP Exome Variant Server 0.03714; TOPMed 0.03738.
gnomAD v4.1: 9,689 of 1,612,976 alleles (0.6%); highest among the groups gnomAD compares: African/African-American, 12%; 572 homozygotes.

Submissions (3):

Labcorp Genetics (formerly Invitae), Labcorp
Classification: Benign. Last evaluated: 2026-01-28. Review status: criteria provided, single submitter. Criteria: Invitae Variant Classification Sherloc (09022015). Collection method: clinical testing. Allele origin: germline.

Breakthrough Genomics
Classification: Benign. Review status: criteria provided, single submitter. Criteria: ACMG Guidelines, 2015. Collection method: not provided. Allele origin: germline. Inheritance: Autosomal recessive inheritance. Affected: yes.

Genetic Services Laboratory, University of Chicago
Classification: Likely benign for AllHighlyPenetrant. Review status: no assertion criteria provided. Collection method: clinical testing. Allele origin: germline. Inheritance: Autosomal recessive inheritance. Not counted in ClinVar's aggregate classification.
Comment: Likely benign based on allele frequency in 1000 Genomes Project or ESP global frequency and its presence in a patient with a rare or unrelated disease phenotype. NOT Sanger confirmed.

NM_015426.5(POC1A):c.1044G>T (p.Gln348His)

Gene: POC1A (POC1 centriolar protein A; minus strand). Cytogenetic location: 3p21.2.
Variant type: single nucleotide variant.
Coding change: c.1044G>T on transcript NM_015426.5 (MANE Select); coding-DNA position 1044, G replaced by T.
Protein change: p.Gln348His; replaces glutamine 348 with histidine.
Molecular consequence: missense variant. On other transcripts: intron variant (1).
Genome position (GRCh38, 1-based): chr3:52,096,650, C>A on the plus strand (G>T on the coding strand, the complement: POC1A is on the minus strand). VCF-style: chr3-52096650-C-A. GRCh37 (hg19) VCF-style: chr3-52130666-C-A.
Other names: c.930G>T, p.Gln310His (NM_001161581.2); c.982-20665G>T (NM_001161580.2); short protein forms Q310H, Q348H.
Identifiers: ClinVar variation 129984 (VCV000129984.14), dbSNP rs35898691, ClinGen allele CA154718.